The following is an entry in ClinVar:

NM_000520.6(HEXA):c.533G>A (p.Arg178His)

Gene: HEXA (hexosaminidase subunit alpha; minus strand). Cytogenetic location: 15q23.
Variant type: single nucleotide variant.
Coding change: c.533G>A on transcript NM_000520.6 (MANE Select); coding-DNA position 533, G replaced by A.
Protein change: p.Arg178His; replaces arginine 178 with histidine.
Molecular consequence: missense variant. On other transcripts: non-coding transcript variant (1).
Genome position (GRCh38, 1-based): chr15:72,353,105, C>T on the plus strand (G>A on the coding strand, the complement: HEXA is on the minus strand). VCF-style: chr15-72353105-C-T. GRCh37 (hg19) VCF-style: chr15-72645446-C-T.
Other names: c.566G>A, p.Arg189His (NM_001318825.2); c.533G>A (NM_000520.5); short protein forms R178H, R189H.
Identifiers: ClinVar variation 3896 (VCV000003896.88), dbSNP rs28941770, ClinGen allele CA116498.
Genomic context (GRCh38, chr15:72,353,105, plus strand): 5'-AGAAGGCCTTAAGGCCTGGTTACCAGAGTGTCCAGGATGCTAGAGAGTGGCAGGTAATGG[C>T]GAGATGTATCCAACAGCAAGCCCCGGTGAGGAAAGCGGGGAAAGTCCTCAATCTCAGTCT-3'
Protein context (NP_000511.2, residues 168-188): PHRGLLLDTS[Arg178His]HYLPLSSILD

ClinVar aggregate classification (germline): Pathogenic/Likely pathogenic. Review status: criteria provided, multiple submitters, no conflicts (2 of 4 stars). 24 submissions from 23 submitters: Pathogenic (21); Likely pathogenic (1). 2 of the submissions do not count toward it. Last evaluated 2026-09-01.

Conditions:
HEXA-related disorders.
HEXA-related disorder. Also called: HEXA-related condition.
Inborn genetic diseases. Identifiers: MedGen C0950123, MeSH D030342.
Global developmental delay (DD). Also called: Cognitive delay. Identifiers: MedGen C0557874, HP:0001263. Disease mechanism: loss of function.
Tay-Sachs disease, B1 variant. Identifiers: MedGen C1848916, MONDO:0017728.
Hexa, dn allele.
Tay-Sachs disease (TSD). Also called: HEXA DEFICIENCY; GM2 gangliosidosis, type 1; Hexosaminidase alpha-subunit deficiency (variant B); Sphingolipidosis, Tay-Sachs; Hexosaminidase A Deficiency; HEXA Disorders. Identifiers: Orphanet 845, MedGen C0039373, MONDO:0010100, OMIM 272800.

Allele frequency attached by ClinVar (database versions not stated): gnomAD exomes 0.00005; 1000 Genomes Project 0.00020; TOPMed 0.00005 and 0.00010; 1000 Genomes Project 30x 0.00031.
gnomAD v4.1: 100 of 1,613,298 alleles (0.0062%); highest among the groups gnomAD compares: Admixed American, 0.01%; no homozygotes.

Submissions 1 to 10 of 24:

CeGaT Center for Human Genetics Tuebingen
Classification: Pathogenic. Last evaluated: 2026-09-01. Review status: criteria provided, single submitter. Criteria: CeGaT Center For Human Genetics Tuebingen Variant Classification Criteria Version 2. Collection method: clinical testing. Allele origin: germline. Affected: yes. Observed: 2 variant alleles.
Comment: HEXA: PM3:Very Strong, PM1, PM2, PM5, PP3

PreventionGenetics, part of Exact Sciences
Classification: Pathogenic for HEXA-related condition. Last evaluated: 2026-06-22. Review status: criteria provided, single submitter. Criteria: ACMG Guidelines, 2015. Collection method: clinical testing. Allele origin: germline.
Comment: The HEXA c.533G>A variant is predicted to result in the amino acid substitution p.Arg178His. This variant, also referred as the DN-allele, has been repeatedly reported in individuals with Tay-Sachs disease in both the homozygous and compound heterozygous state (see, for example: Ohno and Suzuki. 1988. PubMed ID: 2961848; Montalvo et al. 2005. PubMed ID: 16088929; Gort et al. 2012. PubMed ID: 22789865). HEXA enzymatic activity in patients' serum and fibroblasts has been shown to be significantly reduced (Table 1, Gort et al. 2012. PubMed ID: 22789865). This variant is reported in 0.012% of alleles in individuals of Latino descent in gnomAD and has been reported as pathogenic by multiple laboratories in the ClinVar database (Variation ID: 3896). Additionally, different missense changes impacting the same amino acid (p.Arg178Cys, p.Arg178Leu) have been reported in individuals with Tay-Sachs disease, suggesting that the Arg178 residue is critical to protein function (Tanaka et al. 1990. PubMed ID: 2137287; Triggs-Raine et al. 1991. PubMed ID: 1833974). Taken together, the Arg178His variant is interpreted as pathogenic.

Ambry Genetics
Classification: Pathogenic for Inborn genetic diseases. Last evaluated: 2026-06-10. Review status: criteria provided, single submitter. Criteria: Ambry Variant Classification Scheme 2023. Collection method: clinical testing. Allele origin: germline.
Comment: The c.533G>A (p.R178H) alteration is located in exon 5 (coding exon 5) of the HEXA gene. This alteration results from a G to A substitution at nucleotide position 533, causing the arginine (R) at amino acid position 178 to be replaced by a histidine (H). Based on data from gnomAD, the A allele has an overall frequency of 0.005% (12/251014) total alleles studied. The highest observed frequency was 0.012% (4/34556) of Latino alleles. This variant has been identified in the homozygous state and/or in conjunction with other HEXA variant(s) in individual(s) with features consistent with Tay-Sachs disease (Quaio, 2020; King, 2020; Delanne, 2021; Nejabat, 2021). This amino acid position is highly conserved in available vertebrate species. This alteration is predicted to be deleterious by in silico analysis. Based on the available evidence, this alteration is classified as pathogenic.

Labcorp Genetics (formerly Invitae), Labcorp
Classification: Pathogenic for Tay-Sachs disease. Last evaluated: 2026-02-04. Review status: criteria provided, single submitter. Criteria: Invitae Variant Classification Sherloc (09022015). Collection method: clinical testing. Allele origin: germline.
Comment: This sequence change replaces arginine, which is basic and polar, with histidine, which is basic and polar, at codon 178 of the HEXA protein (p.Arg178His). This variant is present in population databases (rs28941770, gnomAD 0.01%). This missense change has been observed in individual(s) with Tay-Sachs disease (PMID: 1832817, 2961848, 16088929, 17015493, 22441121, 22789865). It is commonly reported in individuals of Spanish, Portugese, Italian ancestry (PMID: 1832817, 2961848, 16088929, 17015493, 22441121, 22789865). ClinVar contains an entry for this variant (Variation ID: 3896). Invitae Evidence Modeling of protein sequence and biophysical properties (such as structural, functional, and spatial information, amino acid conservation, physicochemical variation, residue mobility, and thermodynamic stability) indicates that this missense variant is expected to disrupt HEXA protein function with a positive predictive value of 80%. Experimental studies have shown that this missense change affects HEXA function (PMID: 1831451). For these reasons, this variant has been classified as Pathogenic.

3billion
Classification: Pathogenic for Tay-Sachs disease. Last evaluated: 2025-09-24. Review status: criteria provided, single submitter. Criteria: ACMG Guidelines, 2015. Collection method: clinical testing. Allele origin: germline. Affected: yes.
Comment: The variant is observed at an extremely low frequency in the gnomAD v4.1.0 dataset (total allele frequency: 0.006%). Predicted Consequence/Location: Missense variant In silico tool predictions suggest damaging effect of the variant on gene or gene product [REVEL: 0.99 (>=0.6, sensitivity 0.68 and specificity 0.92); 3Cnet: 0.99 (> 0.75, sensitivity 0.96 and precision 0.92)]. The same nucleotide change resulting in the same amino acid change has been previously reported as pathogenic/likely pathogenic with strong evidence (ClinVar ID: VCV000003896 /PMID: 2961848 /3billion dataset). Different missense changes at the same codon (p.Arg178Cys, p.Arg178Leu) have been reported as pathogenic/likely pathogenic with strong evidence (ClinVar ID: VCV000003897, VCV000003912 /PMID: 1833974, 2137287). Therefore, this variant is classified as Pathogenic according to the recommendation of ACMG/AMP guideline.

Natera, Inc.
Classification: Pathogenic for Tay-Sachs disease. Last evaluated: 2025-08-20. Review status: criteria provided, single submitter. Criteria: Natera Variant Classification Schema (03/2026). Collection method: clinical testing. Allele origin: germline.
Comment: The c.533G>A variant in HEXA is a missense variant predicted to cause substitution of arginine to histidine at amino acid 178. This variant is rare in the general population with a frequency below the threshold expected for the associated phenotype(s). This variant has been observed in one or more individuals affected with the associated recessive disease, as either homozygous or compound heterozygous with a second variant (PMID: 16088929). Given the available evidence, this variant is classified as Pathogenic.

Laboratory of Genetics, Children's Clinical University Hospital Latvia
Classification: Pathogenic. Last evaluated: 2025-02-16. Review status: criteria provided, single submitter. Criteria: ACMG Guidelines, 2015. Collection method: clinical testing. Allele origin: germline. Affected: yes.

OLLIN Analises Genomicas, OLLIN
Classification: Pathogenic for Tay-Sachs disease. Last evaluated: 2024-12-18. Review status: criteria provided, single submitter. Criteria: ACMG Guidelines 2015 PMID 25741868. Collection method: clinical testing. Allele origin: germline. Affected: yes. Observed: 1 variant allele.
Comment: The missense variant (chr15:72353105 C>T), located in exon 5 (of 14), is reported in ClinVar (VCV000003896.79) and gnomAD v4.1 non-UKB with an allele frequency of 0.005% (no homozygotes). It is reported in the scientific literature in several individuals with Tay-Sachs disease, both in homozygous and compound heterozygous states, and segregating with the phenotype in at least one family (PMID: 1832817, 2961848, 16088929, 17015493, 22441121, 22789865, 8730294, 16088929, 2137287). Two other pathogenic variants have been reported that alter the same amino acid residue, but with a different consequence (c.533G>T p.Arg178Leu, ClinVar ID: VCV000003912.137; c.532C>T p.Arg178Cys, ClinVar ID: VCV000003897.19). Functional studies suggest that this variant affects protein function (PMID: 1831451), and in silico analysis predicts a deleterious effect on the protein function. Based on currently available evidence, this variant has been classified as pathogenic (PS3_P, PS4, PM2_P, PM3_VS, PM5, PP1, PP3_S).

Blueprint Genetics
Classification: Pathogenic for HEXA-related disorders. Last evaluated: 2024-10-23. Review status: criteria provided, single submitter. Criteria: ACMG Guidelines, 2015. Collection method: clinical testing. Allele origin: germline. Affected: yes. Observed: 5 variant alleles.

GeneDx
Classification: Pathogenic. Last evaluated: 2023-11-16. Review status: criteria provided, single submitter. Criteria: GeneDx Variant Classification Process June 2021. Collection method: clinical testing. Allele origin: germline. Affected: yes.
Comment: Common pathogenic variant identified in Spanish, Portuguese, and Italian populations and is associated with late-onset Tay Sachs disease (PMID: 22789865); Not observed at significant frequency in large population cohorts (gnomAD); In silico analysis supports that this missense variant has a deleterious effect on protein structure/function; This variant is associated with the following publications: (PMID: 22975760, 2521932, 1318511, 21228398, 26286102, 34712575, 10584247, 2973311, 28923328, 16088929, 2961848, 27362553, 1832817, 34440436, 32005694, 31589614, 33240792, 33258288, 18490185, 22789865, 2137287)